The following is an entry in ClinVar:

NM_000370.3(TTPA):c.148delinsATG (p.Ser50fs)

Gene: TTPA (alpha tocopherol transfer protein; minus strand). Cytogenetic location: 8q12.3.
Variant type: Indel.
Coding change: c.148delinsATG on transcript NM_000370.3 (MANE Select); coding-DNA position 148, T replaced by ATG.
Protein change: p.Ser50fs; shifts the reading frame from serine 50.
Molecular consequence: frameshift variant.
Genome position (GRCh38, 1-based): chr8:63,085,874, A replaced by CAT on the plus strand (T replaced by ATG on the coding strand, the reverse complement: TTPA is on the minus strand). VCF-style: chr8-63085874-A-CAT. GRCh37 (hg19) VCF-style: chr8-63998433-A-CAT.
Other names: c.148delTinsATG, p.Ser50Metfs (NM_001413414.1, NM_001413415.1, NM_001413416.1 and 2 more transcripts); short protein forms S50fs.
Identifiers: ClinVar variation 1725841 (VCV001725841.2), dbSNP rs2487200395, ClinGen allele CA2580078873.
Genomic context (GRCh38, chr8:63,085,874, plus strand): 5'-TTACCCGCCAGGCCAGGTCCAGATCGAAATCCCGGGCGCGCAGGAACCGCAGCAGGAAGG[A>CAT]GTCGGTGAGCGGCAGCGGCGCGAGCGGGACGCCAGCTTCCCGGGCCCGGCGCCGCAGCGC-3'

ClinVar aggregate classification (germline): Likely pathogenic (1 of 4 stars; one submission).

Conditions:
Familial isolated deficiency of vitamin E (AVED). Also called: ATAXIA, FRIEDREICH-LIKE, WITH SELECTIVE VITAMIN E DEFICIENCY; Ataxia with isolated vitamin E deficiency. Identifiers: Orphanet 96, MedGen C1848533, MONDO:0010188, OMIM 277460.

Submission:

Myriad Genetics, Inc.
Classification: Likely pathogenic for Familial isolated deficiency of vitamin E. Last evaluated: 2022-04-02. Review status: criteria provided, single submitter. Criteria: Myriad Women's Health Autosomal Recessive and X-Linked Classification Criteria (2021). Collection method: clinical testing. Allele origin: unknown.
Comment: NM_000370.3(TTPA):c.148delTinsATG(S50Mfs*22) is expected to be pathogenic in the context of ataxia with vitamin E deficiency. This variant is predicted to lead to an abnormal or absent protein product due to the creation of a premature termination codon in TTPA, a gene where loss-of-function variants are known to be pathogenic. Please note: this variant was assessed in the context of healthy population screening.